The following is an entry in ClinVar:

NM_182972.3(IRF2BP2):c.815_816delinsTT (p.Ser272Ile)

Gene: IRF2BP2 (interferon regulatory factor 2 binding protein 2; minus strand). Cytogenetic location: 1q42.3.
Variant type: Indel.
Coding change: c.815_816delinsTT on transcript NM_182972.3 (MANE Select); coding-DNA positions 815 to 816, GC replaced by TT.
Protein change: p.Ser272Ile; replaces serine 272 with isoleucine.
Molecular consequence: missense variant.
Genome position (GRCh38, 1-based): chr1:234,608,679-234,608,680, GC replaced by AA on the plus strand (GC replaced by TT on the coding strand, the reverse complement: IRF2BP2 is on the minus strand). VCF-style: chr1-234608679-GC-AA. GRCh37 (hg19) VCF-style: chr1-234744425-GC-AA.
Other names: c.815_816delinsTT, p.Ser272Ile (NM_001077397.1); short protein forms S272I.
Identifiers: ClinVar variation 1461206 (VCV001461206.8), dbSNP rs2102769452, ClinGen allele CA2573132961.

ClinVar aggregate classification (germline): Uncertain significance (1 of 4 stars; one submission).

Submission:

Labcorp Genetics (formerly Invitae), Labcorp
Classification: Uncertain significance. Last evaluated: 2022-08-23. Review status: criteria provided, single submitter. Criteria: Invitae Variant Classification Sherloc (09022015). Collection method: clinical testing. Allele origin: germline.
Comment: In summary, the available evidence is currently insufficient to determine the role of this variant in disease. Therefore, it has been classified as a Variant of Uncertain Significance. Algorithms developed to predict the effect of missense changes on protein structure and function are either unavailable or do not agree on the potential impact of this missense change (SIFT: "Not Available"; PolyPhen-2: "Benign"; Align-GVGD: "Not Available"). ClinVar contains an entry for this variant (Variation ID: 1461206). This variant has not been reported in the literature in individuals affected with IRF2BP2-related conditions. This variant is present in population databases (no rsID available, gnomAD 0.09%). This sequence change replaces serine, which is neutral and polar, with isoleucine, which is neutral and non-polar, at codon 272 of the IRF2BP2 protein (p.Ser272Ile).